The following is an entry in ClinVar:

NM_012073.5(CCT5):c.1324A>G (p.Thr442Ala)

Gene: CCT5 (chaperonin containing TCP1 subunit 5; plus strand). Cytogenetic location: 5p15.2.
Variant type: single nucleotide variant.
Coding change: c.1324A>G on transcript NM_012073.5 (MANE Select); coding-DNA position 1324, A replaced by G.
Protein change: p.Thr442Ala; replaces threonine 442 with alanine.
Molecular consequence: missense variant.
Genome position (GRCh38, 1-based): chr5:10,263,140, A>G. VCF-style: chr5-10263140-A-G. GRCh37 (hg19) VCF-style: chr5-10263252-A-G.
Other names: c.1261A>G, p.Thr421Ala (NM_001306153.1); c.1159A>G, p.Thr387Ala (NM_001306154.2); c.1045A>G, p.Thr349Ala (NM_001306155.2); c.1210A>G, p.Thr404Ala (NM_001306156.2); short protein forms T442A, T387A, T349A, T404A, T421A.
Identifiers: ClinVar variation 404413 (VCV000404413.10), dbSNP rs759193876, ClinGen allele CA3198346.

ClinVar aggregate classification (germline): Uncertain significance. Review status: criteria provided, multiple submitters, no conflicts (2 of 4 stars). 2 submissions from 2 submitters: Uncertain significance (2). Last evaluated 2025-03-18.

Conditions:
Hereditary sensory and autonomic neuropathy with spastic paraplegia (HSNSP). Identifiers: Orphanet 139578, MedGen C1850395, MONDO:0009748, OMIM 256840.

Allele frequency attached by ClinVar (database versions not stated): ExAC 0.00001; TOPMed 0.00001; gnomAD exomes 0.00002 and 0.00003.
gnomAD v4.1: 10 of 1,614,116 alleles (0.00062%); highest among the groups gnomAD compares: Admixed American, 0.015%; no homozygotes.

Submissions (2):

Labcorp Genetics (formerly Invitae), Labcorp
Classification: Uncertain significance for Hereditary sensory and autonomic neuropathy with spastic paraplegia. Last evaluated: 2025-03-18. Review status: criteria provided, single submitter. Criteria: Invitae Variant Classification Sherloc (09022015). Collection method: clinical testing. Allele origin: germline.
Comment: This sequence change replaces threonine, which is neutral and polar, with alanine, which is neutral and non-polar, at codon 442 of the CCT5 protein (p.Thr442Ala). This variant is present in population databases (rs759193876, gnomAD 0.02%). This variant has not been reported in the literature in individuals affected with CCT5-related conditions. ClinVar contains an entry for this variant (Variation ID: 404413). Invitae Evidence Modeling of protein sequence and biophysical properties (such as structural, functional, and spatial information, amino acid conservation, physicochemical variation, residue mobility, and thermodynamic stability) indicates that this missense variant is not expected to disrupt CCT5 protein function with a negative predictive value of 80%. In summary, the available evidence is currently insufficient to determine the role of this variant in disease. Therefore, it has been classified as a Variant of Uncertain Significance.

Ambry Genetics
Classification: Uncertain significance. Last evaluated: 2023-12-26. Review status: criteria provided, single submitter. Criteria: Ambry Variant Classification Scheme 2023. Collection method: clinical testing. Allele origin: germline.